The following is an entry in ClinVar:

ClinVar aggregate classification (germline): Uncertain significance. Review status: criteria provided, multiple submitters, no conflicts (2 of 4 stars). 3 submissions from 3 submitters: Uncertain significance (3). Last evaluated 2025-08-06.

Conditions:
Beckwith-Wiedemann syndrome (BWS). Also called: EMG SYNDROME; Exomphalos macroglossia gigantism syndrome. Identifiers: Orphanet 116, MedGen C0004903, MONDO:0007534, OMIM 130650.
IMAGe syndrome. Also called: Intrauterine Growth Restriction, Metaphyseal Dysplasia, Adrenal Hypoplasia Congenita, and Genital Anomalies; Intrauterine growth retardation, metaphyseal dysplasia, adrenal hypoplasia congenita, and genital anomalies. Identifiers: Orphanet 85173, MedGen C1846009, MONDO:0013873, OMIM 614732.
Inborn genetic diseases. Identifiers: MedGen C0950123, MeSH D030342.

Allele frequency attached by ClinVar (database versions not stated): gnomAD 0.00002; TOPMed 0.00004.
gnomAD v4.1: 4 of 930,064 alleles (0.00043%); highest among the groups gnomAD compares: African/African-American, 0.0038%; no homozygotes.

Submissions (3):

Labcorp Genetics (formerly Invitae), Labcorp
Classification: Uncertain significance for Beckwith-Wiedemann syndrome. Last evaluated: 2025-08-06. Review status: criteria provided, single submitter. Criteria: Invitae Variant Classification Sherloc (09022015). Collection method: clinical testing. Allele origin: germline.
Comment: This sequence change replaces alanine, which is neutral and non-polar, with valine, which is neutral and non-polar, at codon 187 of the CDKN1C protein (p.Ala187Val). This variant is present in population databases (no rsID available, gnomAD 0.03%). This variant has not been reported in the literature in individuals affected with CDKN1C-related conditions. ClinVar contains an entry for this variant (Variation ID: 857808). Invitae Evidence Modeling of protein sequence and biophysical properties (such as structural, functional, and spatial information, amino acid conservation, physicochemical variation, residue mobility, and thermodynamic stability) indicates that this missense variant is not expected to disrupt CDKN1C protein function with a negative predictive value of 80%. In summary, the available evidence is currently insufficient to determine the role of this variant in disease. Therefore, it has been classified as a Variant of Uncertain Significance.

Ambry Genetics
Classification: Uncertain significance for Inborn genetic diseases. Last evaluated: 2025-04-24. Review status: criteria provided, single submitter. Criteria: Ambry Variant Classification Scheme 2023. Collection method: clinical testing. Allele origin: germline.

Fulgent Genetics
Classification: Uncertain significance for Beckwith-Wiedemann syndrome; IMAGe syndrome. Last evaluated: 2024-04-09. Review status: criteria provided, single submitter. Criteria: ACMG Guidelines, 2015. Collection method: clinical testing. Allele origin: germline.

NM_001122630.2(CDKN1C):c.527C>T (p.Ala176Val)

Gene: CDKN1C (cyclin dependent kinase inhibitor 1C; minus strand). Cytogenetic location: 11p15.4.
Variant type: single nucleotide variant.
Coding change: c.527C>T on transcript NM_001122630.2 (MANE Select); coding-DNA position 527, C replaced by T.
Protein change: p.Ala176Val; replaces alanine 176 with valine.
Molecular consequence: missense variant. On other transcripts: intron variant (1).
Genome position (GRCh38, 1-based): chr11:2,884,930, G>A on the plus strand (C>T on the coding strand, the complement: CDKN1C is on the minus strand). VCF-style: chr11-2884930-G-A. GRCh37 (hg19) VCF-style: chr11-2906160-G-A.
Other names: c.560C>T, p.Ala187Val (NM_000076.2, NM_001362474.2); c.527C>T, p.Ala176Val (NM_001122631.2); c.255+272C>T (NM_001362475.2); short protein forms A176V, A187V.
Identifiers: ClinVar variation 857808 (VCV000857808.9), dbSNP rs1443539133, ClinGen allele CA379146462.